The following is an entry in ClinVar:

NM_138386.3(NAF1):c.1104T>G (p.Tyr368Ter)

Gene: NAF1 (nuclear assembly factor 1 ribonucleoprotein; minus strand). Cytogenetic location: 4q32.2.
Variant type: single nucleotide variant.
Coding change: c.1104T>G on transcript NM_138386.3 (MANE Select); coding-DNA position 1104, T replaced by G.
Protein change: p.Tyr368Ter; replaces tyrosine 368 with a stop codon.
Molecular consequence: nonsense. On other transcripts: intron variant (1).
Genome position (GRCh38, 1-based): chr4:163,129,278, A>C on the plus strand (T>G on the coding strand, the complement: NAF1 is on the minus strand). VCF-style: chr4-163129278-A-C. GRCh37 (hg19) VCF-style: chr4-164050430-A-C.
Other names: c.1034-2163T>G (NM_001128931.2); short protein forms Y368*.
Identifiers: ClinVar variation 1945245 (VCV001945245.5), dbSNP rs1730778175, ClinGen allele CA358663326.

ClinVar aggregate classification (germline): Uncertain significance (1 of 4 stars; one submission).

Allele frequency attached by ClinVar (database versions not stated): TOPMed 0.00001.

Submission:

Labcorp Genetics (formerly Invitae), Labcorp
Classification: Uncertain significance. Last evaluated: 2022-04-12. Review status: criteria provided, single submitter. Criteria: Invitae Variant Classification Sherloc (09022015). Collection method: clinical testing. Allele origin: germline.
Comment: In summary, the available evidence is currently insufficient to determine the role of this variant in disease. Therefore, it has been classified as a Variant of Uncertain Significance. Experimental studies and prediction algorithms are not available or were not evaluated, and the functional significance of this variant is currently unknown. This variant has not been reported in the literature in individuals affected with NAF1-related conditions. This variant is not present in population databases (gnomAD no frequency). This sequence change creates a premature translational stop signal (p.Tyr368*) in the NAF1 gene. While this is not anticipated to result in nonsense mediated decay, it is expected to disrupt the last 127 amino acid(s) of the NAF1 protein.